The following is an entry in ClinVar:

NM_000138.5(FBN1):c.7142A>G (p.Gln2381Arg)

Gene: FBN1 (fibrillin 1; minus strand). Cytogenetic location: 15q21.1.
Variant type: single nucleotide variant.
Coding change: c.7142A>G on transcript NM_000138.5 (MANE Select); coding-DNA position 7142, A replaced by G.
Protein change: p.Gln2381Arg; replaces glutamine 2381 with arginine.
Molecular consequence: missense variant.
Genome position (GRCh38, 1-based): chr15:48,427,629, T>C on the plus strand (A>G on the coding strand, the complement: FBN1 is on the minus strand). VCF-style: chr15-48427629-T-C. GRCh37 (hg19) VCF-style: chr15-48719826-T-C.
Other names: c.7142A>G, p.Gln2381Arg (NM_001406716.1); short protein forms Q2381R.
Identifiers: ClinVar variation 4757278 (VCV004757278.1).

ClinVar aggregate classification (germline): Uncertain significance (1 of 4 stars; one submission).

Conditions:
Familial thoracic aortic aneurysm and aortic dissection (TAAD). Also called: Thoracic aortic aneurysms and dissections. Identifiers: Orphanet 91387, MedGen C4707243, MONDO:0019625.

gnomAD v4.1: 1 of 1,614,180 alleles (0.000062%); highest among the groups gnomAD compares: South Asian, 0.0011%; no homozygotes.

Submission:

Color Diagnostics, LLC DBA Color Health
Classification: Uncertain significance for Familial thoracic aortic aneurysm and aortic dissection. Last evaluated: 2025-06-23. Review status: criteria provided, single submitter. Criteria: ACMG Guidelines, 2015. Collection method: clinical testing. Allele origin: germline.
Comment: This missense variant replaces glutamine with arginine at codon 2381 of the FBN1 protein. Computational prediction suggests that this variant may not impact protein structure and function. To our knowledge, functional studies have not been reported for this variant. This variant has not been reported in individuals affected with FBN1-related disorders in the literature. This variant has been identified in 1/250996 chromosomes in the general population by the Genome Aggregation Database (gnomAD). The available evidence is insufficient to determine the role of this variant in disease conclusively. Therefore, this variant is classified as a Variant of Uncertain Significance.